The following is an entry in ClinVar:

ClinVar aggregate classification (germline): Uncertain significance (1 of 4 stars; one submission).

Conditions:
Joubert syndrome 18 (JBTS18). Identifiers: Orphanet 2754, MedGen C3553758, MONDO:0013896, OMIM 614815.
Orofacial-digital syndrome IV (OFD4). Also called: BARAITSER-BURN SYNDROME; OFD SYNDROME WITH TIBIAL DEFECTS; OFD SYNDROME, BARAITSER-BURN TYPE; OFDS IV; ORAL-FACIAL-DIGITAL SYNDROME, TYPE IV; Orofaciodigital syndrome IV. Identifiers: Orphanet 2753, MedGen C0406727, MONDO:0009794, OMIM 258860.

Submission:

Labcorp Genetics (formerly Invitae), Labcorp
Classification: Uncertain significance for Joubert syndrome 18; Orofacial-digital syndrome IV. Last evaluated: 2022-08-19. Review status: criteria provided, single submitter. Criteria: Invitae Variant Classification Sherloc (09022015). Collection method: clinical testing. Allele origin: germline.
Comment: In summary, the available evidence is currently insufficient to determine the role of this variant in disease. Therefore, it has been classified as a Variant of Uncertain Significance. Algorithms developed to predict the effect of missense changes on protein structure and function are either unavailable or do not agree on the potential impact of this missense change (SIFT: "Tolerated"; PolyPhen-2: "Probably Damaging"; Align-GVGD: "Class C0"). This variant has not been reported in the literature in individuals affected with TCTN3-related conditions. This variant is not present in population databases (gnomAD no frequency). This sequence change replaces glutamine, which is neutral and polar, with arginine, which is basic and polar, at codon 159 of the TCTN3 protein (p.Gln159Arg).

NM_015631.6(TCTN3):c.476A>G (p.Gln159Arg)

Gene: TCTN3 (tectonic family member 3; minus strand). Cytogenetic location: 10q24.1.
Variant type: single nucleotide variant.
Coding change: c.476A>G on transcript NM_015631.6 (MANE Select); coding-DNA position 476, A replaced by G.
Protein change: p.Gln159Arg; replaces glutamine 159 with arginine.
Molecular consequence: missense variant.
Genome position (GRCh38, 1-based): chr10:95,692,943, T>C on the plus strand (A>G on the coding strand, the complement: TCTN3 is on the minus strand). VCF-style: chr10-95692943-T-C. GRCh37 (hg19) VCF-style: chr10-97452700-T-C.
Other names: c.530A>G, p.Gln177Arg (NM_001013840.1); c.476A>G, p.Gln159Arg (NM_001143973.2, NM_001410982.1); short protein forms Q177R, Q159R.
Identifiers: ClinVar variation 2090136 (VCV002090136.4), dbSNP rs2492786012, ClinGen allele CA377710928.